The following is an entry in ClinVar:

ClinVar aggregate classification (germline): Uncertain significance (1 of 4 stars; one submission).

Conditions:
Hereditary cancer-predisposing syndrome. Also called: Hereditary Cancer Syndrome; Neoplastic Syndromes, Hereditary; Tumor predisposition; Hereditary neoplastic syndrome. Identifiers: Orphanet 140162, MedGen C0027672, MeSH D009386, MONDO:0015356.

Submission:

Ambry Genetics
Classification: Uncertain significance for Hereditary cancer-predisposing syndrome. Last evaluated: 2020-01-02. Review status: criteria provided, single submitter. Criteria: Ambry Variant Classification Scheme 2023. Collection method: clinical testing. Allele origin: germline.
Comment: The p.V400M variant (also known as c.1198G>A), located in coding exon 8 of the RAD50 gene, results from a G to A substitution at nucleotide position 1198. The valine at codon 400 is replaced by methionine, an amino acid with highly similar properties. This amino acid position is highly conserved in available vertebrate species. In addition, this alteration is predicted to be tolerated by in silico analysis. Since supporting evidence is limited at this time, the clinical significance of this alteration remains unclear.

NM_005732.4(RAD50):c.1198G>A (p.Val400Met)

Gene: RAD50 (RAD50 double strand break repair protein; plus strand). Cytogenetic location: 5q31.1.
Variant type: single nucleotide variant.
Coding change: c.1198G>A on transcript NM_005732.4 (MANE Select); coding-DNA position 1198, G replaced by A.
Protein change: p.Val400Met; replaces valine 400 with methionine.
Molecular consequence: missense variant.
Genome position (GRCh38, 1-based): chr5:132,588,833, G>A. VCF-style: chr5-132588833-G-A. GRCh37 (hg19) VCF-style: chr5-131924525-G-A.
Other names: short protein forms V400M.
Identifiers: ClinVar variation 1746539 (VCV001746539.2), dbSNP rs527671333, ClinGen allele CA360942899.